The following is an entry in ClinVar:

ClinVar aggregate classification (germline): Likely pathogenic. Review status: criteria provided, single submitter (1 of 4 stars). 2 submissions from 2 submitters: Likely pathogenic (1). 1 of the submissions does not count toward it. Last evaluated 2024-01-31.

Conditions:
21-Hydroxylase-Deficient Congenital Adrenal Hyperplasia. Also called: ADRENAL HYPERPLASIA III; ADRENAL HYPERPLASIA, CONGENITAL, DUE TO 21-HYDROXYLASE DEFICIENCY. Identifiers: MedGen C2936858, OMIM 201910.

Allele frequency attached by ClinVar (database versions not stated): TOPMed below 0.00001; ExAC 0.00002.

Submissions (2):

Labcorp Genetics (formerly Invitae), Labcorp
Classification: Likely pathogenic. Last evaluated: 2024-01-31. Review status: criteria provided, single submitter. Criteria: Invitae Variant Classification Sherloc (09022015). Collection method: clinical testing. Allele origin: germline.
Comment: This sequence change replaces glycine, which is neutral and non-polar, with arginine, which is basic and polar, at codon 292 of the CYP21A2 protein (p.Gly292Arg). The frequency data for this variant in the population databases (gnomAD) is considered unreliable due to the presence of homologous sequence, such as pseudogenes or paralogs, in the genome. This missense change has been observed in individual(s) with simple virilizing congenital adrenal hyperplasia due to 21-hydroxylase deficiency (PMID: 12915679). This variant is also known as p.G291R. ClinVar contains an entry for this variant (Variation ID: 1498831). Advanced modeling of protein sequence and biophysical properties (such as structural, functional, and spatial information, amino acid conservation, physicochemical variation, residue mobility, and thermodynamic stability) performed at Invitae indicates that this missense variant is expected to disrupt CYP21A2 protein function with a positive predictive value of 80%. Experimental studies have shown that this missense change affects CYP21A2 function (PMID: 29035424). This variant disrupts the p.Gly292 amino acid residue in CYP21A2. Other variant(s) that disrupt this residue have been determined to be pathogenic (PMID: 9497336, 26206692, 28539365). This suggests that this residue is clinically significant, and that variants that disrupt this residue are likely to be disease-causing. In summary, the currently available evidence indicates that the variant is pathogenic, but additional data are needed to prove that conclusively. Therefore, this variant has been classified as Likely Pathogenic.

Medical Laboratory Center, Huzhou Maternal and Child Health Hospital
Classification: Pathogenic for 21-Hydroxylase-Deficient Congenital Adrenal Hyperplasia. Review status: no assertion criteria provided. Collection method: research. Allele origin: germline. Not counted in ClinVar's aggregate classification.

Literature cited by the submitters: PubMed 12915679 (cited by Labcorp Genetics (formerly Invitae), Labcorp); PubMed 29035424 (cited by Labcorp Genetics (formerly Invitae), Labcorp); PubMed 9497336 (cited by Labcorp Genetics (formerly Invitae), Labcorp); PubMed 26206692 (cited by Labcorp Genetics (formerly Invitae), Labcorp); PubMed 28539365 (cited by Labcorp Genetics (formerly Invitae), Labcorp).

NM_000500.9(CYP21A2):c.874G>C (p.Gly292Arg)

Genes: CYP21A2 (cytochrome P450 family 21 subfamily A member 2; plus strand), LOC106780800 (CYP21A2 recombination region; plus strand). Cytogenetic location: 6p21.33.
Variant type: single nucleotide variant.
Coding change: c.874G>C on transcript NM_000500.9 (MANE Select); coding-DNA position 874, G replaced by C.
Protein change: p.Gly292Arg; replaces glycine 292 with arginine.
Molecular consequence: missense variant.
Genome position (GRCh38, 1-based): chr6:32,040,140, G>C. VCF-style: chr6-32040140-G-C. GRCh37 (hg19) VCF-style: chr6-32007917-G-C.
Other names: c.784G>C, p.Gly262Arg (NM_001128590.4); c.469G>C, p.Gly157Arg (NM_001368143.2, NM_001368144.2); short protein forms G262R, G292R, G157R.
Identifiers: ClinVar variation 1498831 (VCV001498831.9), dbSNP rs201552310, ClinGen allele CA3732560.